The following is an entry in ClinVar:

ClinVar aggregate classification (germline): Uncertain significance (1 of 4 stars; one submission).

Allele frequency attached by ClinVar (database versions not stated): TOPMed below 0.00001; gnomAD 0.00001 and 0.00002; gnomAD exomes 0.00001 and 0.00002; ExAC 0.00003.
gnomAD v4.1: 21 of 1,613,812 alleles (0.0013%); highest among the groups gnomAD compares: Admixed American, 0.0033%; no homozygotes.

Submission:

GeneDx
Classification: Uncertain significance. Last evaluated: 2019-05-29. Review status: criteria provided, single submitter. Criteria: GeneDx Variant Classification Process June 2021. Collection method: clinical testing. Allele origin: germline. Affected: yes.
Comment: Has not been previously published as pathogenic or benign to our knowledge; Not observed at a significant frequency in large population cohorts (Lek et al., 2016); In silico analysis, which includes protein predictors and evolutionary conservation, supports that this variant does not alter protein structure/function

NM_001148.6(ANK2):c.4654G>A (p.Val1552Ile)

Gene: ANK2 (ankyrin 2; plus strand). Cytogenetic location: 4q26.
Variant type: single nucleotide variant.
Coding change: c.4654G>A on transcript NM_001148.6 (MANE Select); coding-DNA position 4654, G replaced by A.
Protein change: p.Val1552Ile; replaces valine 1552 with isoleucine.
Molecular consequence: missense variant. On other transcripts: intron variant (68).
Genome position (GRCh38, 1-based): chr4:113,353,272, G>A. VCF-style: chr4-113353272-G-A. GRCh37 (hg19) VCF-style: chr4-114274428-G-A.
Other names: c.4420G>A, p.Val1474Ile (NM_001386142.1); c.1054G>A, p.Val352Ile (NM_001386166.1); c.4795G>A, p.Val1599Ile (NM_001386174.1); c.4771G>A, p.Val1591Ile (NM_001386175.1); c.4411+3023G>A (NM_001386186.2, NM_001386148.2); c.4213+3023G>A (NM_001354269.3); c.4291+3023G>A (NM_001386187.2); c.4252+3023G>A (NM_001386147.1); and 35 more; short protein forms V1474I, V1552I, V1591I, V1599I, V352I.
Identifiers: ClinVar variation 1316947 (VCV001316947.2), dbSNP rs765508222, ClinGen allele CA3051131.